The following is an entry in ClinVar:

ClinVar aggregate classification (germline): Pathogenic/Likely pathogenic. Review status: criteria provided, multiple submitters, no conflicts (2 of 4 stars). 8 submissions from 8 submitters: Pathogenic (7); Likely pathogenic (1). Last evaluated 2026-06-22.

Conditions:
ABCG8-related disorder. Also called: ABCG8-related condition.
Sitosterolemia 1. Identifiers: MedGen C2749759, MONDO:0020747, OMIM 210250.
Sitosterolemia (STSL). Also called: PHYTOSTEROLEMIA. Identifiers: Orphanet 2882, MedGen C0342907, MONDO:0008863.

Allele frequency attached by ClinVar (database versions not stated): gnomAD 0.00001 and 0.00002; gnomAD exomes 0.00002; TOPMed 0.00002; 1000 Genomes Project 30x 0.00016; 1000 Genomes Project 0.00020.

Submissions (8):

PreventionGenetics, part of Exact Sciences
Classification: Pathogenic for ABCG8-related condition. Last evaluated: 2026-06-22. Review status: criteria provided, single submitter. Criteria: ACMG Guidelines, 2015. Collection method: clinical testing. Allele origin: germline.
Comment: The ABCG8 c.1608G>A variant is predicted to result in premature protein termination (p.Trp536*). This variant has been reported in the homozygous and compound heterozygous states in unrelated individuals with sitosterolaemia (Lu et al. 2001. PubMed ID: 11452359; Salen et al. 2006. PubMed ID: 16697747; Dubot et al. 2021. PubMed ID: 36189710). This variant is reported in 0.011% of alleles in individuals of Latino descent in gnomAD. Nonsense variants in ABCG8 are expected to be pathogenic. This variant is interpreted as pathogenic.

3billion
Classification: Pathogenic for Sitosterolemia 1. Last evaluated: 2025-12-30. Review status: criteria provided, single submitter. Criteria: ACMG Guidelines, 2015. Collection method: clinical testing. Allele origin: germline. Affected: yes.
Comment: The variant is observed at an extremely low frequency in the gnomAD v4.1.0 dataset (total allele frequency: 0.001%). Predicted Consequence/Location: Stop-gained (nonsense): predicted to result in a loss or disruption of normal protein function through nonsense-mediated decay (NMD) or protein truncation. Multiple pathogenic variants are reported downstream of the variant. The variant has been reported at least twice as pathogenic with clinical assertions and evidence for the classification (ClinVar ID: VCV000499930 /PMID: 11452359). Therefore, this variant is classified as Pathogenic according to the recommendation of ACMG/AMP guideline.

Labcorp Genetics (formerly Invitae), Labcorp
Classification: Pathogenic. Last evaluated: 2025-08-18. Review status: criteria provided, single submitter. Criteria: Invitae Variant Classification Sherloc (09022015). Collection method: clinical testing. Allele origin: germline.
Comment: This sequence change creates a premature translational stop signal (p.Trp536*) in the ABCG8 gene. It is expected to result in an absent or disrupted protein product. Loss-of-function variants in ABCG8 are known to be pathogenic (PMID: 11452359, 15375183, 16029460). This variant is present in population databases (rs544500542, gnomAD 0.01%). This premature translational stop signal has been observed in individual(s) with sitosterolemia (PMID: 11452359). ClinVar contains an entry for this variant (Variation ID: 499930). Algorithms developed to predict the effect of sequence changes on RNA splicing suggest that this variant may disrupt the consensus splice site. For these reasons, this variant has been classified as Pathogenic.

Dasa
Classification: Pathogenic. Last evaluated: 2025-04-09. Review status: criteria provided, single submitter. Criteria: DASA Assertion Criteria. Collection method: clinical testing. Allele origin: germline.
Comment: NM_022437.3(ABCG8):c.1608G>A (p.Trp536*) introduces a premature termination codon predicted to result in loss of normal protein function. Loss-of-function is an established mechanism of disease for this gene. This variant has been observed in affected individuals with related phenotype in a genotype context consistent with recessive disease (PMID: 11452359; PMID: 16697747). This variant has been recurrently observed in individuals with related phenotype (PMID: 11452359; PMID: 16697747). The variant is present at low frequency in population datasets. Based on the available data, this variant is classified as pathogenic.

Center for Genomic Medicine, Rigshospitalet, Copenhagen University Hospital
Classification: Pathogenic. Last evaluated: 2025-03-04. Review status: criteria provided, single submitter. Criteria: ACMG Guidelines, 2015. Collection method: clinical testing. Allele origin: germline.

Department of Pathology and Laboratory Medicine, Sinai Health System
Classification: Likely pathogenic for sitosterolemia. Last evaluated: 2023-03-08. Review status: criteria provided, single submitter. Criteria: ACMG Guidelines, 2015. Collection method: research. Allele origin: germline.

Eurofins Ntd Llc (ga)
Classification: Pathogenic. Last evaluated: 2018-07-09. Review status: criteria provided, single submitter. Criteria: EGL ClinVar v180209 classification definitions. Collection method: clinical testing. Allele origin: germline. Observed: 3 variant alleles, 3 heterozygotes.

ISTH-SSC Genomics in Thrombosis and Hemostasis, KU Leuven, Center for Molecular and Vascular Biology
Classification: Pathogenic for Sitosterolemia 1. Review status: criteria provided, single submitter. Criteria: ACMG Guidelines, 2015. Collection method: clinical testing. Allele origin: germline. Affected: yes. Observed: 1 homozygote.
Comment: Submitted to GoldVariant by Jose María Bastida and José Rivera; Grupo Español de Alteraciones Plaquetarias Congénitas (GEAPC)

Literature cited by the submitters: PubMed 11452359 (cited by 4 submitters); PubMed 15375183 (cited by Labcorp Genetics (formerly Invitae), Labcorp); PubMed 16029460 (cited by Labcorp Genetics (formerly Invitae), Labcorp and Center for Genomic Medicine, Rigshospitalet, Copenhagen University Hospital); PubMed 16697747 (cited by Dasa); PubMed 36189710 (cited by Center for Genomic Medicine, Rigshospitalet, Copenhagen University Hospital); PubMed 30007774 (cited by ISTH-SSC Genomics in Thrombosis and Hemostasis, KU Leuven, Center for Molecular and Vascular Biology).

NM_022437.3(ABCG8):c.1608G>A (p.Trp536Ter)

Gene: ABCG8 (ATP binding cassette subfamily G member 8; plus strand). Cytogenetic location: 2p21.
Variant type: single nucleotide variant.
Coding change: c.1608G>A on transcript NM_022437.3 (MANE Select); coding-DNA position 1608, G replaced by A.
Protein change: p.Trp536Ter; replaces tryptophan 536 with a stop codon.
Molecular consequence: nonsense.
Genome position (GRCh38, 1-based): chr2:43,875,265, G>A. VCF-style: chr2-43875265-G-A. GRCh37 (hg19) VCF-style: chr2-44102404-G-A.
Other names: c.1605G>A, p.Trp535Ter (NM_001357321.2); c.1608G>A (NM_022437.2); short protein forms W536*, W535*.
Identifiers: ClinVar variation 499930 (VCV000499930.17), dbSNP rs544500542, ClinGen allele CA46471077.
Genomic context (GRCh38, chr2:43,875,265, plus strand): 5'-CTGGCTGGCCAACCTGAGGCCAGGCCTCCAGCCCTTCCTGCTGCACTTCCTGCTGGTGTG[G>A]CTGGTGGTCTTCTGTTGCAGGATTATGGCCCTGGCCGCCGCGGCCCTGCTCCCCACCTTC-3'